The following is an entry in ClinVar:

ClinVar aggregate classification (germline): Uncertain significance. Review status: criteria provided, multiple submitters, no conflicts (2 of 4 stars). 5 submissions from 5 submitters: Uncertain significance (5). Last evaluated 2025-06-29.

Conditions:
Cardiovascular phenotype. Identifiers: MedGen CN230736.
Dilated cardiomyopathy 1R (CMD1R). Identifiers: Orphanet 154, Orphanet 54260, MedGen C3150681, MONDO:0013261, OMIM 613424.
Atrial septal defect 5 (ASD5). Identifiers: Orphanet 1478, MedGen C2748552, MONDO:0013011, OMIM 612794.
Hypertrophic cardiomyopathy 11. Also called: ACTC1-Related Familial Hypertrophic Cardiomyopathy. Identifiers: MedGen C2677506, MONDO:0012799, OMIM 612098.

Allele frequency attached by ClinVar (database versions not stated): TOPMed below 0.00001.

Submissions (5):

Labcorp Genetics (formerly Invitae), Labcorp
Classification: Uncertain significance for Dilated cardiomyopathy 1R; Hypertrophic cardiomyopathy 11; Atrial septal defect 5. Last evaluated: 2025-06-29. Review status: criteria provided, single submitter. Criteria: Invitae Variant Classification Sherloc (09022015). Collection method: clinical testing. Allele origin: germline.
Comment: This sequence change replaces alanine, which is neutral and non-polar, with valine, which is neutral and non-polar, at codon 28 of the ACTC1 protein (p.Ala28Val). This variant is not present in population databases (gnomAD no frequency). This missense change has been observed in individual(s) with hypertrophic cardiomyopathy (PMID: 27532257; internal data). ClinVar contains an entry for this variant (Variation ID: 50937). Invitae Evidence Modeling of protein sequence and biophysical properties (such as structural, functional, and spatial information, amino acid conservation, physicochemical variation, residue mobility, and thermodynamic stability) indicates that this missense variant is not expected to disrupt ACTC1 protein function with a negative predictive value of 80%. In summary, the available evidence is currently insufficient to determine the role of this variant in disease. Therefore, it has been classified as a Variant of Uncertain Significance.

GeneDx
Classification: Uncertain significance. Last evaluated: 2025-03-06. Review status: criteria provided, single submitter. Criteria: GeneDx Variant Classification Process June 2021. Collection method: clinical testing. Allele origin: germline. Affected: yes.
Comment: Not observed at significant frequency in large population cohorts (gnomAD); In silico analysis indicates that this missense variant does not alter protein structure/function; This variant is associated with the following publications: (PMID: 27532257, 25611685, 37652022)

Blueprint Genetics
Classification: Uncertain significance. Last evaluated: 2021-09-10. Review status: criteria provided, single submitter. Criteria: ACMG Guidelines, 2015. Collection method: clinical testing. Allele origin: germline.

Ambry Genetics
Classification: Uncertain significance for Cardiovascular phenotype. Last evaluated: 2019-08-14. Review status: criteria provided, single submitter. Criteria: Ambry Variant Classification Scheme 2023. Collection method: clinical testing. Allele origin: germline.

Laboratory for Molecular Medicine, Mass General Brigham Personalized Medicine
Classification: Uncertain significance. Last evaluated: 2012-11-23. Review status: criteria provided, single submitter. Criteria: LMM Criteria. Collection method: clinical testing. Allele origin: germline. Observed: 2 variant alleles.
Comment: Computational analyses (biochemical amino acid properties, conservatio n, AlignGVGD, PolyPhen2, and SIFT) suggest that the Ala28Val variant may impact the protein, though this information is not predictive enough to determine patho genicity. Additional information is needed to fully assess the clinical signific ance of the Ala28Val variant.

Literature cited by the submitters: PubMed 27532257 (cited by Labcorp Genetics (formerly Invitae), Labcorp).

NM_005159.5(ACTC1):c.83C>T (p.Ala28Val)

Genes: ACTC1 (actin alpha cardiac muscle 1; minus strand), GJD2-DT (GJD2 divergent transcript; plus strand). Cytogenetic location: 15q14.
Variant type: single nucleotide variant.
Coding change: c.83C>T on transcript NM_005159.5 (MANE Select); coding-DNA position 83, C replaced by T.
Protein change: p.Ala28Val; replaces alanine 28 with valine.
Molecular consequence: missense variant.
Genome position (GRCh38, 1-based): chr15:34,794,726, G>A on the plus strand (C>T on the coding strand, the complement: ACTC1 is on the minus strand). VCF-style: chr15-34794726-G-A. GRCh37 (hg19) VCF-style: chr15-35086927-G-A.
Other names: short protein forms A28V.
Identifiers: ClinVar variation 50937 (VCV000050937.17), dbSNP rs397517072, ClinGen allele CA019957.